The following is an entry in ClinVar:

ClinVar aggregate classification (germline): Uncertain significance. Review status: criteria provided, single submitter (1 of 4 stars). 2 submissions from 2 submitters: Uncertain significance (1). 1 of the submissions does not count toward it. Last evaluated 2024-03-19.

Conditions:
SEMA3B-related disorder. Also called: SEMA3B-related condition.

Allele frequency attached by ClinVar (database versions not stated): TOPMed 0.00006; ExAC 0.00023.
gnomAD v4.1: 103 of 1,535,732 alleles (0.0067%); highest among the groups gnomAD compares: Middle Eastern, 0.051%; 1 homozygote.

Submissions (2):

Ambry Genetics
Classification: Uncertain significance. Last evaluated: 2024-03-19. Review status: criteria provided, single submitter. Criteria: Ambry Variant Classification Scheme 2023. Collection method: clinical testing. Allele origin: germline.

PreventionGenetics, part of Exact Sciences
Classification: Uncertain significance for SEMA3B-related condition. Last evaluated: 2024-07-24. Review status: no assertion criteria provided. Collection method: clinical testing. Allele origin: germline. Not counted in ClinVar's aggregate classification.
Comment: The SEMA3B c.7C>T variant is predicted to result in the amino acid substitution p.Arg3Trp. To our knowledge, this variant has not been reported in the literature. This variant is reported in 0.031% of alleles in individuals of South Asian descent in gnomAD and has been documented in the homozygous state in one individual. At this time, the clinical significance of this variant is uncertain due to the absence of conclusive functional and genetic evidence.

NM_001290060.2(SEMA3B):c.7C>T (p.Arg3Trp)

Gene: SEMA3B (semaphorin 3B; plus strand). Cytogenetic location: 3p21.31.
Variant type: single nucleotide variant.
Coding change: c.7C>T on transcript NM_001290060.2 (MANE Select); coding-DNA position 7, C replaced by T.
Protein change: p.Arg3Trp; replaces arginine 3 with tryptophan.
Molecular consequence: missense variant.
Genome position (GRCh38, 1-based): chr3:50,269,247, C>T. VCF-style: chr3-50269247-C-T. GRCh37 (hg19) VCF-style: chr3-50306679-C-T.
Other names: c.7C>T, p.Arg3Trp (NM_001005914.3, NM_001290061.1, NM_004636.4); c.7C>T (NM_004636.2); short protein forms R3W.
Identifiers: ClinVar variation 2634776 (VCV002634776.3), dbSNP rs782185211, ClinGen allele CA2413638.